The following is an entry in ClinVar:

ClinVar aggregate classification (germline): Likely pathogenic (0 of 4 stars; one submission).

Conditions:
GBA1-related disorder. Also called: GBA1-related condition.

gnomAD v4.1: 1 of 1,613,658 alleles (0.000062%); highest among the groups gnomAD compares: Non-Finnish European, 0.000085%; no homozygotes.

Submission:

PreventionGenetics, part of Exact Sciences
Classification: Likely pathogenic for GBA1-related condition. Last evaluated: 2024-08-28. Review status: no assertion criteria provided. Collection method: clinical testing. Allele origin: germline.
Comment: The GBA1 c.498C>A variant is predicted to result in the amino acid substitution p.Asp166Glu. To our knowledge, this variant has not been reported in a large population database, indicating this variant is rare. A different nucleotide change resulting in the same amino acid substitution was reported in an individual with Parkinson disease (c.498C>G in Table S3, Kumar et al. 2020. PubMed ID: 32707456). The p.Asp166Glu variant was also reported along with a pathogenic GBA1 variant in an individual with Gaucher disease (Basiri et al. 2023. PubMed ID: 37249220). Taken together, the c.498C>A (p.Asp166Glu) variant is interpreted as likely pathogenic.

NM_000157.4(GBA1):c.498C>A (p.Asp166Glu)

Genes: GBA1 (glucosylceramidase beta 1; minus strand), LOC106627981 (GBA recombination region; plus strand). Cytogenetic location: 1q22.
Variant type: single nucleotide variant.
Coding change: c.498C>A on transcript NM_000157.4 (MANE Select); coding-DNA position 498, C replaced by A.
Protein change: p.Asp166Glu; replaces aspartic acid 166 with glutamic acid.
Molecular consequence: missense variant.
Genome position (GRCh38, 1-based): chr1:155,238,607, G>T on the plus strand (C>A on the coding strand, the complement: GBA1 is on the minus strand). VCF-style: chr1-155238607-G-T. GRCh37 (hg19) VCF-style: chr1-155208398-G-T.
Other names: c.498C>A, p.Asp166Glu (NM_001005741.3, NM_001005742.3); c.237C>A, p.Asp79Glu (NM_001171811.2); c.351C>A, p.Asp117Glu (NM_001171812.2); short protein forms D117E, D166E, D79E.
Identifiers: ClinVar variation 3355963 (VCV003355963.1).